The following is an entry in ClinVar:

ClinVar aggregate classification (germline): Uncertain significance. Review status: criteria provided, multiple submitters, no conflicts (2 of 4 stars). 2 submissions from 2 submitters: Uncertain significance (2). Last evaluated 2025-09-05.

Conditions:
Hypertrophic cardiomyopathy. Also called: HYPERTROPHIC MYOCARDIOPATHY. Identifiers: Orphanet 217569, MedGen C0007194, MeSH D002312, MONDO:0005045, HP:0001639.
TPM1-related disorder. Also called: TPM1-related condition.

gnomAD v4.1: 5 of 1,603,140 alleles (0.00031%); highest among the groups gnomAD compares: East Asian, 0.0022%; no homozygotes.

Submissions (2):

Labcorp Genetics (formerly Invitae), Labcorp
Classification: Uncertain significance for Hypertrophic cardiomyopathy. Last evaluated: 2025-09-05. Review status: criteria provided, single submitter. Criteria: Invitae Variant Classification Sherloc (09022015). Collection method: clinical testing. Allele origin: germline.
Comment: This sequence change affects codon 284 of the TPM1 mRNA. It is a 'silent' change, meaning that it does not change the encoded amino acid sequence of the TPM1 protein. It affects a nucleotide within the consensus splice site. This variant is present in population databases (no rsID available, gnomAD 0.006%). This variant has not been reported in the literature in individuals affected with TPM1-related conditions. ClinVar contains an entry for this variant (Variation ID: 1366420). Algorithms developed to predict the effect of sequence changes on RNA splicing suggest that this variant is not likely to affect RNA splicing. In summary, the available evidence is currently insufficient to determine the role of this variant in disease. Therefore, it has been classified as a Variant of Uncertain Significance.

PreventionGenetics, part of Exact Sciences
Classification: Uncertain significance for TPM1-related condition. Last evaluated: 2025-05-12. Review status: criteria provided, single submitter. Criteria: ACMG Guidelines, 2015. Collection method: clinical testing. Allele origin: germline.
Comment: The TPM1 c.665A>C variant is predicted to result in the amino acid substitution p.Asp222Ala. To our knowledge, this variant has not been reported in the literature. This variant is reported in 0.0056% of alleles in individuals of East Asian descent in gnomAD. At this time, the clinical significance of this variant is uncertain due to the absence of conclusive functional and genetic evidence.

NM_001018005.2(TPM1):c.852A>C (p.Ile284=)

Gene: TPM1 (tropomyosin 1; plus strand). Cytogenetic location: 15q22.2.
Variant type: single nucleotide variant.
Coding change: c.852A>C on transcript NM_001018005.2 (MANE Select); coding-DNA position 852, A replaced by C.
Protein change: p.Ile284=; no amino-acid change (isoleucine 284 retained).
Molecular consequence: synonymous variant. On other transcripts: 3 prime UTR variant (4), missense variant (2), intron variant (10).
Genome position (GRCh38, 1-based): chr15:63,065,896, A>C. VCF-style: chr15-63065896-A-C. GRCh37 (hg19) VCF-style: chr15-63358095-A-C.
Other names: c.*45A>C (NM_000366.6, NM_001365779.1); c.852A>C, p.Ile284= (NM_001301244.2); c.744A>C, p.Ile248= (NM_001330346.2); c.773A>C, p.Asp258Ala (NM_001365777.1); c.665A>C, p.Asp222Ala (NM_001365780.1); c.*1750A>C (NM_001365781.2, NM_001365782.1); c.898+3251A>C (NM_001365778.1); c.772+3251A>C (NM_001018020.2, NM_001018007.2, NM_001018006.2 and 2 more transcripts); and 1 more; short protein forms D258A, D222A.
Identifiers: ClinVar variation 1366420 (VCV001366420.7), dbSNP rs759481997, ClinGen allele CA618532957.